The following is an entry in ClinVar:

ClinVar aggregate classification (germline): Benign/Likely benign. Review status: criteria provided, multiple submitters, no conflicts (2 of 4 stars). 8 submissions from 7 submitters: Benign (3); Likely benign (5). Last evaluated 2026-02-03.

Conditions:
Inborn genetic diseases. Identifiers: MedGen C0950123, MeSH D030342.
Autosomal dominant centronuclear myopathy. Also called: MYOTUBULAR MYOPATHY, AUTOSOMAL DOMINANT; Myopathy, centronuclear, 3. Identifiers: Orphanet 169189, MedGen C4551952, MeSH D020914, MONDO:0008048, OMIM 160150.
Charcot-Marie-Tooth disease dominant intermediate B (CMTDIB). Also called: Charcot-Marie-Tooth disease dominant intermediate 1; CMT DI1; Charcot-Marie-Tooth disease dominant intermediate I; CHARCOT-MARIE-TOOTH NEUROPATHY, DOMINANT INTERMEDIATE B. Identifiers: Orphanet 100044, Orphanet 228179, MedGen C1847902, MONDO:0011674, OMIM 606482.

Allele frequency attached by ClinVar (database versions not stated): 1000 Genomes Project 30x 0.00016; gnomAD 0.00017 and 0.00018; TOPMed 0.00017; 1000 Genomes Project 0.00020; gnomAD exomes 0.00020 and 0.00035; ExAC 0.00021; ESP Exome Variant Server 0.00023.
gnomAD v4.1: 537 of 1,614,048 alleles (0.033%); highest among the groups gnomAD compares: Non-Finnish European, 0.043%; no homozygotes.

Submissions (8):

Labcorp Genetics (formerly Invitae), Labcorp
Classification: Likely benign for Charcot-Marie-Tooth disease dominant intermediate B. Last evaluated: 2026-02-03. Review status: criteria provided, single submitter. Criteria: Invitae Variant Classification Sherloc (09022015). Collection method: clinical testing. Allele origin: germline.

Blueprint Genetics
Classification: Likely benign. Last evaluated: 2024-11-05. Review status: criteria provided, single submitter. Criteria: ACMG Guidelines, 2015. Collection method: clinical testing. Allele origin: germline.

Athena Diagnostics
Classification: Benign. Last evaluated: 2021-05-20. Review status: criteria provided, single submitter. Criteria: Athena Diagnostics criteria. Collection method: clinical testing. Allele origin: unknown.

GeneDx
Classification: Likely benign. Last evaluated: 2020-01-29. Review status: criteria provided, single submitter. Criteria: GeneDx Variant Classification Process June 2021. Collection method: clinical testing. Allele origin: germline. Affected: yes.

Ambry Genetics
Classification: Likely benign for Inborn genetic diseases. Last evaluated: 2019-07-11. Review status: criteria provided, single submitter. Criteria: Ambry Variant Classification Scheme 2023. Collection method: clinical testing. Allele origin: germline.

Illumina Laboratory Services, Illumina
Classification: Benign for Autosomal dominant centronuclear myopathy. Last evaluated: 2018-01-12. Review status: criteria provided, single submitter. Criteria: ICSL Variant Classification Criteria 13 December 2019. Collection method: clinical testing. Allele origin: germline.
Comment: This variant was observed in the ICSL laboratory as part of a predisposition screen in an ostensibly healthy population. It had not been previously curated by ICSL or reported in the Human Gene Mutation Database (HGMD: prior to June 1st, 2018), and was therefore a candidate for classification through an automated scoring system. Utilizing variant allele frequency, disease prevalence and penetrance estimates, and inheritance mode, an automated score was calculated to assess if this variant is too frequent to cause the disease. Based on the score and internal cut-off values, a variant classified as benign is not then subjected to further curation. The score for this variant resulted in a classification of benign for this disease.

Illumina Laboratory Services, Illumina
Classification: Benign for Charcot-Marie-Tooth disease dominant intermediate B. Last evaluated: 2018-01-12. Review status: criteria provided, single submitter. Criteria: ICSL Variant Classification Criteria 13 December 2019. Collection method: clinical testing. Allele origin: germline.
Comment: the same text as in the submission from Illumina Laboratory Services, Illumina above.

PreventionGenetics, part of Exact Sciences
Classification: Likely benign. Review status: criteria provided, single submitter. Criteria: ACMG Guidelines, 2015. Collection method: clinical testing. Allele origin: germline.

NM_001005361.3(DNM2):c.882G>A (p.Pro294=)

Gene: DNM2 (dynamin 2; plus strand). Cytogenetic location: 19p13.2.
Variant type: single nucleotide variant.
Coding change: c.882G>A on transcript NM_001005361.3 (MANE Select); coding-DNA position 882, G replaced by A.
Protein change: p.Pro294=; no amino-acid change (proline 294 retained).
Molecular consequence: synonymous variant.
Genome position (GRCh38, 1-based): chr19:10,786,596, G>A. VCF-style: chr19-10786596-G-A. GRCh37 (hg19) VCF-style: chr19-10897272-G-A.
Other names: c.882G>A, p.Pro294= (NM_001005360.3, NM_001005362.3, NM_001190716.2 and 1 more transcripts).
Identifiers: ClinVar variation 256870 (VCV000256870.21), dbSNP rs144790170, ClinGen allele CA9200922.